The following is an entry in ClinVar:

ClinVar aggregate classification (germline): Uncertain significance (1 of 4 stars; one submission).

Conditions:
Renal cell carcinoma. Identifiers: Orphanet 217071, MedGen C0007134, MeSH D002292, MONDO:0005086, HP:0005584.

Submission:

Labcorp Genetics (formerly Invitae), Labcorp
Classification: Uncertain significance for Renal cell carcinoma. Last evaluated: 2022-09-20. Review status: criteria provided, single submitter. Criteria: Invitae Variant Classification Sherloc (09022015). Collection method: clinical testing. Allele origin: germline.
Comment: In summary, the available evidence is currently insufficient to determine the role of this variant in disease. Therefore, it has been classified as a Variant of Uncertain Significance. Advanced modeling of protein sequence and biophysical properties (such as structural, functional, and spatial information, amino acid conservation, physicochemical variation, residue mobility, and thermodynamic stability) performed at Invitae indicates that this missense variant is not expected to disrupt MET protein function. This variant has not been reported in the literature in individuals affected with MET-related conditions. This variant is not present in population databases (gnomAD no frequency). This sequence change replaces proline, which is neutral and non-polar, with threonine, which is neutral and polar, at codon 1091 of the MET protein (p.Pro1091Thr).

NM_000245.4(MET):c.3217C>A (p.Pro1073Thr)

Gene: MET (MET proto-oncogene, receptor tyrosine kinase; plus strand). Cytogenetic location: 7q31.2.
Variant type: single nucleotide variant.
Coding change: c.3217C>A on transcript NM_000245.4 (MANE Select); coding-DNA position 3217, C replaced by A.
Protein change: p.Pro1073Thr; replaces proline 1073 with threonine.
Molecular consequence: missense variant.
Genome position (GRCh38, 1-based): chr7:116,775,069, C>A. VCF-style: chr7-116775069-C-A. GRCh37 (hg19) VCF-style: chr7-116415123-C-A.
Other names: c.3271C>A, p.Pro1091Thr (NM_001127500.3); c.1927C>A, p.Pro643Thr (NM_001324402.2); short protein forms P1073T, P1091T, P643T.
Identifiers: ClinVar variation 1719853 (VCV001719853.5), dbSNP rs398123569, ClinGen allele CA368988673.